The following is an entry in ClinVar:

NM_001904.4(CTNNB1):c.559G>A (p.Ala187Thr)

Genes: CTNNB1 (catenin beta 1; plus strand), LOC126806658 (BRD4-independent group 4 enhancer GRCh37_chr3:41265899-41267098; plus strand). Cytogenetic location: 3p22.1.
Variant type: single nucleotide variant.
Coding change: c.559G>A on transcript NM_001904.4 (MANE Select); coding-DNA position 559, G replaced by A.
Protein change: p.Ala187Thr; replaces alanine 187 with threonine.
Molecular consequence: missense variant.
Genome position (GRCh38, 1-based): chr3:41,225,397, G>A. VCF-style: chr3-41225397-G-A. GRCh37 (hg19) VCF-style: chr3-41266888-G-A.
Other names: c.559G>A, p.Ala187Thr (NM_001098209.2, NM_001098210.2); c.538G>A, p.Ala180Thr (NM_001330729.2); short protein forms A187T, A180T.
Identifiers: ClinVar variation 1379282 (VCV001379282.6), dbSNP rs963558956, ClinGen allele CA74089194.
Genomic context (GRCh38, chr3:41,225,397, plus strand): 5'-GTGGTTAATAAGGCTGCAGTTATGGTCCATCAGCTTTCTAAAAAGGAAGCTTCCAGACAC[G>A]CTATCATGCGTTCTCCTCAGATGGTGTCTGCTATTGTACGTACCATGCAGAATACAAATG-3'
Protein context (NP_001895.1, residues 177-197): QLSKKEASRH[Ala187Thr]IMRSPQMVSA

ClinVar aggregate classification (germline): Uncertain significance (1 of 4 stars; one submission).

Allele frequency attached by ClinVar (database versions not stated): gnomAD exomes below 0.00001 and 0.00001; gnomAD 0.00001; TOPMed 0.00001.
gnomAD v4.1: 9 of 1,613,806 alleles (0.00056%); highest among the groups gnomAD compares: African/African-American, 0.004%; no homozygotes.

Submission:

Labcorp Genetics (formerly Invitae), Labcorp
Classification: Uncertain significance. Last evaluated: 2021-10-24. Review status: criteria provided, single submitter. Criteria: Invitae Variant Classification Sherloc (09022015). Collection method: clinical testing. Allele origin: germline.
Comment: In summary, the available evidence is currently insufficient to determine the role of this variant in disease. Therefore, it has been classified as a Variant of Uncertain Significance. Algorithms developed to predict the effect of missense changes on protein structure and function (SIFT, PolyPhen-2, Align-GVGD) all suggest that this variant is likely to be tolerated. This variant has not been reported in the literature in individuals affected with CTNNB1-related conditions. This variant is not present in population databases (ExAC no frequency). This sequence change replaces alanine with threonine at codon 187 of the CTNNB1 protein (p.Ala187Thr). The alanine residue is highly conserved and there is a small physicochemical difference between alanine and threonine.